The following is an entry in ClinVar:

ClinVar aggregate classification (germline): Uncertain significance. Review status: criteria provided, multiple submitters, no conflicts (2 of 4 stars). 2 submissions from 2 submitters: Uncertain significance (2). Last evaluated 2022-02-22.

Conditions:
Glycogen storage disease type X (GSD10). Also called: Dimauro disease; GSD X; MYOPATHY DUE TO PHOSPHOGLYCERATE MUTASE DEFICIENCY; Glycogen storage disease due to phosphoglycerate mutase deficiency; PGAMM DEFICIENCY; PHOSPHOGLYCERATE MUTASE, MUSCLE, DEFICIENCY OF. Identifiers: Orphanet 97234, MedGen C0268149, MONDO:0009865, OMIM 261670.
Inborn genetic diseases. Identifiers: MedGen C0950123, MeSH D030342.

Allele frequency attached by ClinVar (database versions not stated): ExAC 0.00001; gnomAD exomes 0.00002; gnomAD 0.00004.
gnomAD v4.1: 32 of 1,613,798 alleles (0.002%); highest among the groups gnomAD compares: African/African-American, 0.0067%; no homozygotes.

Submissions (2):

Labcorp Genetics (formerly Invitae), Labcorp
Classification: Uncertain significance for Glycogen storage disease type X. Last evaluated: 2022-02-22. Review status: criteria provided, single submitter. Criteria: Invitae Variant Classification Sherloc (09022015). Collection method: clinical testing. Allele origin: germline.
Comment: This sequence change replaces threonine, which is neutral and polar, with methionine, which is neutral and non-polar, at codon 57 of the PGAM2 protein (p.Thr57Met). This variant is present in population databases (rs758416574, gnomAD 0.01%). This variant has not been reported in the literature in individuals affected with PGAM2-related conditions. Algorithms developed to predict the effect of missense changes on protein structure and function (SIFT, PolyPhen-2, Align-GVGD) all suggest that this variant is likely to be disruptive. In summary, the available evidence is currently insufficient to determine the role of this variant in disease. Therefore, it has been classified as a Variant of Uncertain Significance.

Ambry Genetics
Classification: Uncertain significance for Inborn genetic diseases. Last evaluated: 2021-12-20. Review status: criteria provided, single submitter. Criteria: Ambry Variant Classification Scheme 2023. Collection method: clinical testing. Allele origin: germline.

NM_000290.4(PGAM2):c.170C>T (p.Thr57Met)

Genes: DBNL (drebrin like; plus strand), PGAM2 (phosphoglycerate mutase 2; minus strand). Cytogenetic location: 7p13.
Variant type: single nucleotide variant.
Coding change: c.170C>T on transcript NM_000290.4 (MANE Select); coding-DNA position 170, C replaced by T.
Protein change: p.Thr57Met; replaces threonine 57 with methionine.
Molecular consequence: missense variant. On other transcripts: 3 prime UTR variant (6).
Genome position (GRCh38, 1-based): chr7:44,065,360, G>A on the plus strand (C>T on the coding strand, the complement: PGAM2 is on the minus strand). VCF-style: chr7-44065360-G-A. GRCh37 (hg19) VCF-style: chr7-44104959-G-A.
Other names: c.*4444G>A (NM_001014436.3, NM_001122956.2, NM_001284313.2 and 3 more transcripts); short protein forms T57M.
Identifiers: ClinVar variation 2179816 (VCV002179816.2), dbSNP rs758416574, ClinGen allele CA4236660.